The following is an entry in ClinVar:

ClinVar aggregate classification (germline): Uncertain significance (1 of 4 stars; one submission).

Submission:

Labcorp Genetics (formerly Invitae), Labcorp
Classification: Uncertain significance. Last evaluated: 2024-10-21. Review status: criteria provided, single submitter. Criteria: Invitae Variant Classification Sherloc (09022015). Collection method: clinical testing. Allele origin: germline.
Comment: This sequence change replaces asparagine, which is neutral and polar, with serine, which is neutral and polar, at codon 1220 of the INPPL1 protein (p.Asn1220Ser). This variant is not present in population databases (gnomAD no frequency). This variant has not been reported in the literature in individuals affected with INPPL1-related conditions. An algorithm developed to predict the effect of missense changes on protein structure and function (PolyPhen-2) suggests that this variant is likely to be tolerated. In summary, the available evidence is currently insufficient to determine the role of this variant in disease. Therefore, it has been classified as a Variant of Uncertain Significance.

NM_001567.4(INPPL1):c.3659A>G (p.Asn1220Ser)

Gene: INPPL1 (inositol polyphosphate phosphatase like 1; plus strand). Cytogenetic location: 11q13.4.
Variant type: single nucleotide variant.
Coding change: c.3659A>G on transcript NM_001567.4 (MANE Select); coding-DNA position 3659, A replaced by G.
Protein change: p.Asn1220Ser; replaces asparagine 1220 with serine.
Molecular consequence: missense variant.
Genome position (GRCh38, 1-based): chr11:72,238,148, A>G. VCF-style: chr11-72238148-A-G. GRCh37 (hg19) VCF-style: chr11-71949192-A-G.
Other names: short protein forms N1220S.
Identifiers: ClinVar variation 2854798 (VCV002854798.3), dbSNP rs1949051725, ClinGen allele CA381740425.
Genomic context (GRCh38, chr11:72,238,148, plus strand): 5'-GCATGAGTGCCTGGCTGCGGGCCATCGGCTTGGAGCGCTATGAGGAGGGCCTGGTGCATA[A>G]TGGCTGGGACGACCTGGAGTTTCTCAGGTGGGGGAGGGGCTGGCCCCGGGGGCGGAGCTG-3'
Protein context (NP_001558.3, residues 1210-1230): LERYEEGLVH[Asn1220Ser]GWDDLEFLSD